The following is an entry in ClinVar:

ClinVar aggregate classification (germline): Likely benign. Review status: criteria provided, single submitter (1 of 4 stars). 2 submissions from 2 submitters: Likely benign (1). 1 of the submissions does not count toward it. Last evaluated 2020-12-24.

Allele frequency attached by ClinVar (database versions not stated): ExAC below 0.00001; gnomAD exomes 0.00001 and 0.00002; TOPMed 0.00001.
gnomAD v4.1: 31 of 1,552,218 alleles (0.002%); highest among the groups gnomAD compares: Non-Finnish European, 0.0025%; no homozygotes.

Submissions (2):

Labcorp Genetics (formerly Invitae), Labcorp
Classification: Likely benign. Last evaluated: 2020-12-24. Review status: criteria provided, single submitter. Criteria: Invitae Variant Classification Sherloc (09022015). Collection method: clinical testing. Allele origin: germline.

Martin Pollak Laboratory,  Beth Israel Deaconess Medical Center
Classification: Uncertain significance. Review status: no assertion criteria provided. Collection method: not provided. Allele origin: unknown. Not counted in ClinVar's aggregate classification.
Comment: Higher UCa2+ group
ClinVar note: Converted during submission from unknown to Uncertain significance.

NM_001146079.2(CLDN14):c.15C>T (p.Ala5=)

Genes: CLDN14 (claudin 14; minus strand), CLDN14-AS1 (CLDN14 antisense RNA 1; plus strand). Cytogenetic location: 21q22.13.
Variant type: single nucleotide variant.
Coding change: c.15C>T on transcript NM_001146079.2 (MANE Select); coding-DNA position 15, C replaced by T.
Protein change: p.Ala5=; no amino-acid change (alanine 5 retained).
Molecular consequence: synonymous variant.
Genome position (GRCh38, 1-based): chr21:36,461,681, G>A on the plus strand (C>T on the coding strand, the complement: CLDN14 is on the minus strand). VCF-style: chr21-36461681-G-A. GRCh37 (hg19) VCF-style: chr21-37833979-G-A.
Other names: c.15C>T, p.Ala5= (NM_001146077.2, NM_001146078.3, NM_012130.4 and 1 more transcripts).
Identifiers: ClinVar variation 64486 (VCV000064486.10), dbSNP rs387907416, ClinGen allele CA216250.